The following is an entry in ClinVar:

ClinVar aggregate classification (germline): Uncertain significance (1 of 4 stars; one submission).

Allele frequency attached by ClinVar (database versions not stated): gnomAD 0.00001; gnomAD exomes 0.00001; TOPMed 0.00001.
gnomAD v4.1: 10 of 1,331,474 alleles (0.00075%); highest among the groups gnomAD compares: East Asian, 0.0048%; no homozygotes.

Submission:

Labcorp Genetics (formerly Invitae), Labcorp
Classification: Uncertain significance. Last evaluated: 2024-07-23. Review status: criteria provided, single submitter. Criteria: Invitae Variant Classification Sherloc (09022015). Collection method: clinical testing. Allele origin: germline.
Comment: This sequence change falls in intron 18 of the ERCC6L2 gene. It does not directly change the encoded amino acid sequence of the ERCC6L2 protein. It affects a nucleotide within the consensus splice site. This variant is not present in population databases (gnomAD no frequency). This variant has not been reported in the literature in individuals affected with ERCC6L2-related conditions. Variants that disrupt the consensus splice site are a relatively common cause of aberrant splicing (PMID: 17576681, 9536098). Algorithms developed to predict the effect of sequence changes on RNA splicing suggest that this variant is not likely to affect RNA splicing. In summary, the available evidence is currently insufficient to determine the role of this variant in disease. Therefore, it has been classified as a Variant of Uncertain Significance.

Literature cited by the submitters: PubMed 17576681; PubMed 9536098.

NM_020207.7(ERCC6L2):c.3674+5A>G

Gene: ERCC6L2 (ERCC excision repair 6 like 2; plus strand). Cytogenetic location: 9q22.32.
Variant type: single nucleotide variant.
Coding change: c.3674+5A>G on transcript NM_020207.7 (MANE Select); 5 bases into the intron after coding-DNA position 3674, A replaced by G.
Molecular consequence: intron variant.
Genome position (GRCh38, 1-based): chr9:96,004,706, A>G. VCF-style: chr9-96004706-A-G. GRCh37 (hg19) VCF-style: chr9-98766988-A-G.
Other names: c.3674+5A>G (NM_001375291.1, NM_001375292.1).
Identifiers: ClinVar variation 2991657 (VCV002991657.3), dbSNP rs1034558437, ClinGen allele CA196586925.